The following is an entry in ClinVar:

NM_170784.3(MKKS):c.1604G>A (p.Ser535Asn)

Gene: MKKS (MKKS centrosomal shuttling protein; minus strand). Cytogenetic location: 20p12.2.
Variant type: single nucleotide variant.
Coding change: c.1604G>A on transcript NM_170784.3 (MANE Select); coding-DNA position 1604, G replaced by A.
Protein change: p.Ser535Asn; replaces serine 535 with asparagine.
Molecular consequence: missense variant. On other transcripts: non-coding transcript variant (1).
Genome position (GRCh38, 1-based): chr20:10,405,356, C>T on the plus strand (G>A on the coding strand, the complement: MKKS is on the minus strand). VCF-style: chr20-10405356-C-T. GRCh37 (hg19) VCF-style: chr20-10386004-C-T.
Other names: c.1604G>A, p.Ser535Asn (NM_018848.3); short protein forms S535N.
Identifiers: ClinVar variation 1991609 (VCV001991609.1), dbSNP rs2514486487, ClinGen allele CA408230534.

ClinVar aggregate classification (germline): Uncertain significance (1 of 4 stars; one submission).

Conditions:
Bardet-Biedl syndrome (BBS). Identifiers: Orphanet 110, MedGen C0752166, MONDO:0015229.
McKusick-Kaufman syndrome (MKKS). Also called: HYDROMETROCOLPOS SYNDROME; HYDROMETROCOLPOS, POSTAXIAL POLYDACTYLY, AND CONGENITAL HEART MALFORMATION. Identifiers: Orphanet 2473, MedGen C0948368, MONDO:0009367, OMIM 236700.

Allele frequency attached by ClinVar (database versions not stated): gnomAD exomes below 0.00001.
gnomAD v4.1: 1 of 1,614,196 alleles (0.000062%); highest among the groups gnomAD compares: South Asian, 0.0011%; no homozygotes.

Submission:

Labcorp Genetics (formerly Invitae), Labcorp
Classification: Uncertain significance for McKusick-Kaufman syndrome; Bardet-Biedl syndrome. Last evaluated: 2021-12-18. Review status: criteria provided, single submitter. Criteria: Invitae Variant Classification Sherloc (09022015). Collection method: clinical testing. Allele origin: germline.
Comment: This sequence change replaces serine, which is neutral and polar, with asparagine, which is neutral and polar, at codon 535 of the MKKS protein (p.Ser535Asn). This variant is not present in population databases (gnomAD no frequency). This variant has not been reported in the literature in individuals affected with MKKS-related conditions. Algorithms developed to predict the effect of missense changes on protein structure and function output the following: SIFT: "Tolerated"; PolyPhen-2: "Benign"; Align-GVGD: "Class C0". The asparagine amino acid residue is found in multiple mammalian species, which suggests that this missense change does not adversely affect protein function. In summary, the available evidence is currently insufficient to determine the role of this variant in disease. Therefore, it has been classified as a Variant of Uncertain Significance.